The following is an entry in ClinVar:

NM_000092.5(COL4A4):c.3859C>G (p.Leu1287Val)

Gene: COL4A4 (collagen type IV alpha 4 chain; minus strand). Cytogenetic location: 2q36.3.
Variant type: single nucleotide variant.
Coding change: c.3859C>G on transcript NM_000092.5 (MANE Select); coding-DNA position 3859, C replaced by G.
Protein change: p.Leu1287Val; replaces leucine 1287 with valine.
Molecular consequence: missense variant.
Genome position (GRCh38, 1-based): chr2:227,030,557, G>C on the plus strand (C>G on the coding strand, the complement: COL4A4 is on the minus strand). VCF-style: chr2-227030557-G-C. GRCh37 (hg19) VCF-style: chr2-227895273-G-C.
Other names: short protein forms L1287V.
Identifiers: ClinVar variation 1675253 (VCV001675253.8), dbSNP rs571869797, ClinGen allele CA2144395.

ClinVar aggregate classification (germline): Conflicting classifications of pathogenicity. Review status: criteria provided, conflicting classifications (1 of 4 stars). 3 submissions from 3 submitters: Uncertain significance (2); Likely benign (1). Last evaluated 2024-06-26.

Conditions:
Autosomal recessive Alport syndrome (ATS2). Also called: COL4A4 Alport Syndrome and Thin Basement Membrane Nephropathy; Alport syndrome type 2; COL4A3-Related Nephropathy; ALPORT SYNDROME 2, AUTOSOMAL RECESSIVE. Identifiers: Orphanet 63, Orphanet 88919, MedGen C4746745, MONDO:0008762, OMIM 203780.
Benign familial hematuria. Also called: thin basement membrane disease. Identifiers: MedGen C0241908, MONDO:0957317.

Allele frequency attached by ClinVar (database versions not stated): gnomAD exomes below 0.00001 and 0.00002; ExAC 0.00002; gnomAD 0.00002 and 0.00003; TOPMed 0.00002; 1000 Genomes Project 30x 0.00031; 1000 Genomes Project 0.00060.
gnomAD v4.1: 10 of 1,614,010 alleles (0.00062%); highest among the groups gnomAD compares: African/African-American, 0.013%; no homozygotes.

Submissions (3):

Labcorp Genetics (formerly Invitae), Labcorp
Classification: Likely benign. Last evaluated: 2024-06-26. Review status: criteria provided, single submitter. Criteria: Invitae Variant Classification Sherloc (09022015). Collection method: clinical testing. Allele origin: germline.

GeneDx
Classification: Uncertain significance. Last evaluated: 2022-03-28. Review status: criteria provided, single submitter. Criteria: GeneDx Variant Classification Process June 2021. Collection method: clinical testing. Allele origin: germline. Affected: yes.
Comment: In silico analysis supports that this missense variant does not alter protein structure/function; Has not been previously published as pathogenic or benign to our knowledge; Occurs in the triple helical domain within an interruption of the canonical Gly-X-Y repeat

Fulgent Genetics
Classification: Uncertain significance for Hematuria, benign familial, 1; Autosomal recessive Alport syndrome. Last evaluated: 2022-02-16. Review status: criteria provided, single submitter. Criteria: ACMG Guidelines, 2015. Collection method: clinical testing. Allele origin: unknown.